The following is an entry in ClinVar:

ClinVar aggregate classification (germline): Conflicting classifications of pathogenicity. Review status: criteria provided, conflicting classifications (1 of 4 stars). 2 submissions from 2 submitters: Uncertain significance (1); Likely benign (1). Last evaluated 2024-10-07.

Conditions:
Hereditary cancer-predisposing syndrome. Also called: Tumor predisposition; Hereditary neoplastic syndrome; Hereditary Cancer Syndrome; Neoplastic Syndromes, Hereditary. Identifiers: Orphanet 140162, MedGen C0027672, MeSH D009386, MONDO:0015356.
Retinoblastoma (RB1). Also called: RETINOBLASTOMA, SOMATIC. Identifiers: Orphanet 790, MedGen C0035335, MeSH D012175, MONDO:0008380, OMIM 180200, HP:0009919. Disease mechanism: loss of function. Inheritance: Both sporadic and heritable forms are tested..

Allele frequency attached by ClinVar (database versions not stated): gnomAD exomes below 0.00001; TOPMed 0.00003.
gnomAD v4.1: 6 of 1,603,478 alleles (0.00037%); highest among the groups gnomAD compares: East Asian, 0.0023%; no homozygotes.

Submissions (2):

Labcorp Genetics (formerly Invitae), Labcorp
Classification: Uncertain significance for Retinoblastoma. Last evaluated: 2024-10-07. Review status: criteria provided, single submitter. Criteria: Invitae Variant Classification Sherloc (09022015). Collection method: clinical testing. Allele origin: germline.
Comment: This sequence change replaces isoleucine, which is neutral and non-polar, with threonine, which is neutral and polar, at codon 348 of the RB1 protein (p.Ile348Thr). This variant is present in population databases (no rsID available, gnomAD 0.006%). This variant has not been reported in the literature in individuals affected with RB1-related conditions. ClinVar contains an entry for this variant (Variation ID: 577949). Invitae Evidence Modeling of protein sequence and biophysical properties (such as structural, functional, and spatial information, amino acid conservation, physicochemical variation, residue mobility, and thermodynamic stability) indicates that this missense variant is not expected to disrupt RB1 protein function with a negative predictive value of 80%. In summary, the available evidence is currently insufficient to determine the role of this variant in disease. Therefore, it has been classified as a Variant of Uncertain Significance.

Ambry Genetics
Classification: Likely benign for Hereditary cancer-predisposing syndrome. Last evaluated: 2023-03-02. Review status: criteria provided, single submitter. Criteria: Ambry Variant Classification Scheme 2023. Collection method: clinical testing. Allele origin: germline.

NM_000321.3(RB1):c.1043T>C (p.Ile348Thr)

Gene: RB1 (RB transcriptional corepressor 1; plus strand). Cytogenetic location: 13q14.2.
Variant type: single nucleotide variant.
Coding change: c.1043T>C on transcript NM_000321.3 (MANE Select); coding-DNA position 1043, T replaced by C.
Protein change: p.Ile348Thr; replaces isoleucine 348 with threonine.
Molecular consequence: missense variant.
Genome position (GRCh38, 1-based): chr13:48,367,597, T>C. VCF-style: chr13-48367597-T-C. GRCh37 (hg19) VCF-style: chr13-48941733-T-C.
Other names: short protein forms I348T.
Identifiers: ClinVar variation 577949 (VCV000577949.14), dbSNP rs1295421967, ClinGen allele CA388160948.